The following is an entry in ClinVar:

NM_003482.4(KMT2D):c.6749C>T (p.Pro2250Leu)

Gene: KMT2D (lysine methyltransferase 2D; minus strand). Cytogenetic location: 12q13.12.
Variant type: single nucleotide variant.
Coding change: c.6749C>T on transcript NM_003482.4 (MANE Select); coding-DNA position 6749, C replaced by T.
Protein change: p.Pro2250Leu; replaces proline 2250 with leucine.
Molecular consequence: missense variant.
Genome position (GRCh38, 1-based): chr12:49,041,021, G>A on the plus strand (C>T on the coding strand, the complement: KMT2D is on the minus strand). VCF-style: chr12-49041021-G-A. GRCh37 (hg19) VCF-style: chr12-49434804-G-A.
Other names: short protein forms P2250L.
Identifiers: ClinVar variation 5019212 (VCV005019212.2).

ClinVar aggregate classification (germline): Uncertain significance (1 of 4 stars; one submission).

Conditions:
Choanal atresia-athelia-hypothyroidism-delayed puberty-short stature syndrome (BCAHH). Also called: BRANCHIAL ARCH ABNORMALITIES, CHOANAL ATRESIA, ATHELIA, HEARING LOSS, AND HYPOTHYROIDISM SYNDROME. Identifiers: Orphanet 589856, MedGen C5680310, MONDO:0035651, OMIM 620186.
Kabuki syndrome 1 (KABUK1). Also called: KMT2D-Related Kabuki Syndrome. Identifiers: Orphanet 2322, MedGen CN030661, MONDO:0007843, OMIM 147920.

gnomAD v4.1: 1 of 1,577,768 alleles (0.000063%); highest among the groups gnomAD compares: Non-Finnish European, 0.000086%; no homozygotes.

Submission:

Juno Genomics, Hangzhou Juno Genomics, Inc
Classification: Uncertain significance for Choanal atresia-athelia-hypothyroidism-delayed puberty-short stature syndrome; Kabuki syndrome 1. Review status: criteria provided, single submitter. Criteria: ACMG Guidelines, 2015. Collection method: clinical testing. Allele origin: germline.
Comment: Absent from controls (or at extremely low frequency if recessive) in Genome Aggregation Database.;Missense variant in a gene that has a low rate of benign missense variation.